The following is an entry in ClinVar:

ClinVar aggregate classification (germline): Uncertain significance (1 of 4 stars; one submission).

Conditions:
Spondyloepiphyseal dysplasia with congenital joint dislocations (SEDCJD). Also called: Chondrodysplasia with Congenital Joint Dislocations, CHST3-Related. Identifiers: Orphanet 263463, MedGen C1837657, MONDO:0007738, OMIM 143095.

gnomAD v4.1: 2 of 1,605,162 alleles (0.00012%); highest among the groups gnomAD compares: South Asian, 0.0022%; no homozygotes.

Submission:

Labcorp Genetics (formerly Invitae), Labcorp
Classification: Uncertain significance for Spondyloepiphyseal dysplasia with congenital joint dislocations. Last evaluated: 2021-03-31. Review status: criteria provided, single submitter. Criteria: Invitae Variant Classification Sherloc (09022015). Collection method: clinical testing. Allele origin: germline.
Comment: This variant has not been reported in the literature in individuals with CHST3-related conditions. Algorithms developed to predict the effect of missense changes on protein structure and function output the following: SIFT: "Tolerated"; PolyPhen-2: "Benign"; Align-GVGD: "Class C0". The glutamine amino acid residue is found in multiple mammalian species, suggesting that this missense change does not adversely affect protein function. These predictions have not been confirmed by published functional studies and their clinical significance is uncertain. In summary, the available evidence is currently insufficient to determine the role of this variant in disease. Therefore, it has been classified as a Variant of Uncertain Significance. This sequence change replaces proline with glutamine at codon 126 of the CHST3 protein (p.Pro126Gln). The proline residue is weakly conserved and there is a moderate physicochemical difference between proline and glutamine. This variant is not present in population databases (ExAC no frequency).

NM_004273.5(CHST3):c.377C>A (p.Pro126Gln)

Gene: CHST3 (carbohydrate sulfotransferase 3; plus strand). Cytogenetic location: 10q22.1.
Variant type: single nucleotide variant.
Coding change: c.377C>A on transcript NM_004273.5 (MANE Select); coding-DNA position 377, C replaced by A.
Protein change: p.Pro126Gln; replaces proline 126 with glutamine.
Molecular consequence: missense variant.
Genome position (GRCh38, 1-based): chr10:72,007,408, C>A. VCF-style: chr10-72007408-C-A. GRCh37 (hg19) VCF-style: chr10-73767166-C-A.
Other names: short protein forms P126Q.
Identifiers: ClinVar variation 1521785 (VCV001521785.8), dbSNP rs371091098, ClinGen allele CA377143551.